The following is an entry in ClinVar:

NM_004544.4(NDUFA10):c.*3G>A

Gene: NDUFA10 (NADH:ubiquinone oxidoreductase subunit A10; minus strand). Cytogenetic location: 2q37.3.
Variant type: single nucleotide variant.
Coding change: c.*3G>A on transcript NM_004544.4 (MANE Select); 3 bases downstream of the stop codon, G replaced by A.
Molecular consequence: 3 prime UTR variant. On other transcripts: non-coding transcript variant (3).
Genome position (GRCh38, 1-based): chr2:239,961,115, C>T on the plus strand (G>A on the coding strand, the complement: NDUFA10 is on the minus strand). VCF-style: chr2-239961115-C-T. GRCh37 (hg19) VCF-style: chr2-240900532-C-T.
Other names: c.*8G>A (NM_001322020.2).
Identifiers: ClinVar variation 387759 (VCV000387759.2), dbSNP rs758335453, ClinGen allele CA2200620.

ClinVar aggregate classification (germline): Likely benign. Review status: criteria provided, multiple submitters, no conflicts (2 of 4 stars). 2 submissions from 2 submitters: Likely benign (2). Last evaluated 2024-08-22.

Allele frequency attached by ClinVar (database versions not stated): gnomAD 0.00003; TOPMed 0.00002; ExAC 0.00003.

Submissions (2):

Blueprint Genetics
Classification: Likely benign. Last evaluated: 2024-08-22. Review status: criteria provided, single submitter. Criteria: ACMG Guidelines, 2015. Collection method: clinical testing. Allele origin: germline.

GeneDx
Classification: Likely benign. Last evaluated: 2016-07-28. Review status: criteria provided, single submitter. Criteria: GeneDx Variant Classification (06012015). Collection method: clinical testing. Allele origin: germline. Affected: yes.
Comment: This variant is considered likely benign or benign based on one or more of the following criteria: it is a conservative change, it occurs at a poorly conserved position in the protein, it is predicted to be benign by multiple in silico algorithms, and/or has population frequency not consistent with disease.